The following is an entry in ClinVar:

NM_005647.4(TBL1X):c.1054-9G>A

Gene: TBL1X (transducin beta like 1 X-linked; plus strand). Cytogenetic location: Xp22.2.
Variant type: single nucleotide variant.
Coding change: c.1054-9G>A on transcript NM_005647.4 (MANE Select); 9 bases into the intron before coding-DNA position 1054, G replaced by A.
Molecular consequence: intron variant.
Genome position (GRCh38, 1-based): chrX:9,697,360, G>A. VCF-style: chrX-9697360-G-A. GRCh37 (hg19) VCF-style: chrX-9665400-G-A.
Other names: NC_000023.10:g.9665400G>A; c.901-9G>A (NM_001139468.1, NM_001139467.1); c.1054-9G>A (NM_001139466.1).
Identifiers: ClinVar variation 1695852 (VCV001695852.4), dbSNP rs2083137992, ClinGen allele CA2415008034.

ClinVar aggregate classification (germline): Uncertain significance (1 of 4 stars; one submission).

Allele frequency attached by ClinVar (database versions not stated): gnomAD exomes below 0.00001.
gnomAD v4.1: 1 of 1,208,545 alleles (0.000083%); highest among the groups gnomAD compares: Non-Finnish European, 0.00011%; no homozygotes.

Submissions (2):

GeneDx
Classification: Uncertain significance. Last evaluated: 2026-08-02. Review status: criteria provided, single submitter. Criteria: GeneDx Variant Classification Process June 2021. Collection method: clinical testing. Allele origin: germline.
Comment: Not observed at significant frequency in large population cohorts (gnomAD); In silico analysis supports a deleterious effect on splicing; This variant is associated with the following publications: (PMID: 36860195)

Dr. Peter K. Rogan Lab, Western University
No classification provided (evidence only). Condition: Cervical cancer. Review status: no classification provided. Collection method: in vitro. Allele origin: not applicable. Functional consequence: retained intron. Not counted in ClinVar's aggregate classification.